The following is an entry in ClinVar:

NM_032043.3(BRIP1):c.1507A>G (p.Lys503Glu)

Gene: BRIP1 (BRCA1 interacting DNA helicase 1; minus strand). Cytogenetic location: 17q23.2.
Variant type: single nucleotide variant.
Coding change: c.1507A>G on transcript NM_032043.3 (MANE Select); coding-DNA position 1507, A replaced by G.
Protein change: p.Lys503Glu; replaces lysine 503 with glutamic acid.
Molecular consequence: missense variant.
Genome position (GRCh38, 1-based): chr17:61,784,391, T>C on the plus strand (A>G on the coding strand, the complement: BRIP1 is on the minus strand). VCF-style: chr17-61784391-T-C. GRCh37 (hg19) VCF-style: chr17-59861752-T-C.
Other names: short protein forms K503E.
Identifiers: ClinVar variation 496480 (VCV000496480.13), dbSNP rs1555603594, ClinGen allele CA400481382.

ClinVar aggregate classification (germline): Uncertain significance. Review status: criteria provided, multiple submitters, no conflicts (2 of 4 stars). 3 submissions from 3 submitters: Uncertain significance (3). Last evaluated 2026-01-27.

Conditions:
Hereditary cancer-predisposing syndrome. Also called: Tumor predisposition; Hereditary neoplastic syndrome; Neoplastic Syndromes, Hereditary; Hereditary Cancer Syndrome. Identifiers: Orphanet 140162, MedGen C0027672, MeSH D009386, MONDO:0015356.
Familial cancer of breast. Also called: hereditary breast carcinoma; BREAST CANCER, FAMILIAL; Hereditary breast cancer. Identifiers: Orphanet 227535, MedGen C0346153, MONDO:0016419, OMIM 114480. Disease mechanism: loss of function.
Fanconi anemia complementation group J. Also called: BRIP1-Related Fanconi Anemia. Identifiers: Orphanet 84, MedGen C1836860, MONDO:0012187, OMIM 609054.

Submissions (3):

Labcorp Genetics (formerly Invitae), Labcorp
Classification: Uncertain significance for Familial cancer of breast; Fanconi anemia complementation group J. Last evaluated: 2026-01-27. Review status: criteria provided, single submitter. Criteria: Invitae Variant Classification Sherloc (09022015). Collection method: clinical testing. Allele origin: germline.
Comment: This sequence change replaces lysine, which is basic and polar, with glutamic acid, which is acidic and polar, at codon 503 of the BRIP1 protein (p.Lys503Glu). This variant is not present in population databases (gnomAD no frequency). This variant has not been reported in the literature in individuals affected with BRIP1-related conditions. ClinVar contains an entry for this variant (Variation ID: 496480). Invitae Evidence Modeling of protein sequence and biophysical properties (such as structural, functional, and spatial information, amino acid conservation, physicochemical variation, residue mobility, and thermodynamic stability) indicates that this missense variant is not expected to disrupt BRIP1 protein function with a negative predictive value of 95%. In summary, the available evidence is currently insufficient to determine the role of this variant in disease. Therefore, it has been classified as a Variant of Uncertain Significance.

Ambry Genetics
Classification: Uncertain significance for Hereditary cancer-predisposing syndrome. Last evaluated: 2024-09-30. Review status: criteria provided, single submitter. Criteria: Ambry Variant Classification Scheme 2023. Collection method: clinical testing. Allele origin: germline.
Comment: The p.K503E variant (also known as c.1507A>G), located in coding exon 10 of the BRIP1 gene, results from an A to G substitution at nucleotide position 1507. The lysine at codon 503 is replaced by glutamic acid, an amino acid with similar properties. This amino acid position is highly conserved in available vertebrate species. In addition, this alteration is predicted to be tolerated by in silico analysis. Based on the available evidence, the clinical significance of this variant remains unclear.

Women's Health and Genetics/Laboratory Corporation of America, LabCorp
Classification: Uncertain significance. Last evaluated: 2024-03-19. Review status: criteria provided, single submitter. Criteria: LabCorp Variant Classification Summary - May 2015. Collection method: clinical testing. Allele origin: germline.